The following is an entry in ClinVar:

ClinVar aggregate classification (germline): Uncertain significance (1 of 4 stars; one submission).

Submission:

GeneDx
Classification: Uncertain significance. Last evaluated: 2017-01-09. Review status: criteria provided, single submitter. Criteria: GeneDx Variant Classification (06012015). Collection method: clinical testing. Allele origin: germline. Affected: yes.
Comment: A variant of uncertain significance has been identified in the ALPK3 gene. The T1559S variant has not been published as pathogenic or been reported as benign to our knowledge. This variant is not observed in large population cohorts (Lek et al., 2016; 1000 Genomes Consortium et al., 2015; Exome Variant Server). However, the T1559S variant is a conservative amino acid substitution, which is not likely to impact secondary protein structure as these residues share similar properties. This substitution occurs at a position that is only conserved in mammals with serine being the wild type in one non-mammalian species. Finally, in silico analysis is inconsistent in its predictions as to whether or not the variant is damaging to the protein structure/function.

NM_020778.5(ALPK3):c.4070C>G (p.Thr1357Ser)

Gene: ALPK3 (alpha kinase 3; plus strand). Cytogenetic location: 15q25.3.
Variant type: single nucleotide variant.
Coding change: c.4070C>G on transcript NM_020778.5 (MANE Select); coding-DNA position 4070, C replaced by G.
Protein change: p.Thr1357Ser; replaces threonine 1357 with serine.
Molecular consequence: missense variant.
Genome position (GRCh38, 1-based): chr15:84,859,880, C>G. VCF-style: chr15-84859880-C-G. GRCh37 (hg19) VCF-style: chr15-85403111-C-G.
Other names: short protein forms T1559S, T1357S.
Identifiers: ClinVar variation 422975 (VCV000422975.2), dbSNP rs1064796135, ClinGen allele CA16620014.
Genomic context (GRCh38, chr15:84,859,880, plus strand): 5'-CCCCCGTAGACTGCGGTGTGTATCGGTGCACCATCCACAATGAGCACGGCTCGGCCTCCA[C>G]CGACTTCTGCCTCAGCCCTGAGGGTGAGTGTGCCCCGCGGCCCGGGGTCTCAGCCTGGCC-3'
Protein context (NP_065829.4, residues 1347-1367): TIHNEHGSAS[Thr1357Ser]DFCLSPEVLS